The following is an entry in ClinVar:

ClinVar aggregate classification (germline): Uncertain significance. Review status: criteria provided, multiple submitters, no conflicts (2 of 4 stars). 2 submissions from 2 submitters: Uncertain significance (2). Last evaluated 2025-05-06.

Conditions:
Inborn genetic diseases. Identifiers: MedGen C0950123, MeSH D030342.

Allele frequency attached by ClinVar (database versions not stated): gnomAD exomes 0.00001; ExAC 0.00003.
gnomAD v4.1: 16 of 1,608,420 alleles (0.00099%); highest among the groups gnomAD compares: East Asian, 0.033%; no homozygotes.

Submissions (2):

Ambry Genetics
Classification: Uncertain significance for Inborn genetic diseases. Last evaluated: 2025-05-06. Review status: criteria provided, single submitter. Criteria: Ambry Variant Classification Scheme 2023. Collection method: clinical testing. Allele origin: germline.

GeneDx
Classification: Uncertain significance. Last evaluated: 2024-12-11. Review status: criteria provided, single submitter. Criteria: GeneDx Variant Classification Process June 2021. Collection method: clinical testing. Allele origin: germline. Affected: yes.
Comment: In silico analysis indicates that this missense variant does not alter protein structure/function; Has not been previously published as pathogenic or benign to our knowledge; In silico analysis suggests this variant may impact gene splicing. In the absence of RNA/functional studies, the actual effect of this sequence change is unknown.

NM_001931.5(DLAT):c.280G>C (p.Val94Leu)

Gene: DLAT (dihydrolipoamide S-acetyltransferase; plus strand). Cytogenetic location: 11q23.1.
Variant type: single nucleotide variant.
Coding change: c.280G>C on transcript NM_001931.5 (MANE Select); coding-DNA position 280, G replaced by C.
Protein change: p.Val94Leu; replaces valine 94 with leucine.
Molecular consequence: missense variant. On other transcripts: 5 prime UTR variant (1), non-coding transcript variant (1), intron variant (2).
Genome position (GRCh38, 1-based): chr11:112,026,198, G>C. VCF-style: chr11-112026198-G-C. GRCh37 (hg19) VCF-style: chr11-111896922-G-C.
Other names: c.280G>C, p.Val94Leu (NM_001372031.1, NM_001372032.1, NM_001372033.1 and 5 more transcripts); c.112G>C, p.Val38Leu (NM_001372037.1); c.-187G>C (NM_001372042.1); c.280-33G>C (NM_001372034.1); c.239-85G>C (NM_001372036.1); short protein forms V38L, V94L.
Identifiers: ClinVar variation 2327344 (VCV002327344.4), dbSNP rs781796716, ClinGen allele CA6276602.